The following is an entry in ClinVar:

NM_032217.5(ANKRD17):c.3386T>C (p.Val1129Ala)

Gene: ANKRD17 (ankyrin repeat domain 17; minus strand). Cytogenetic location: 4q13.3.
Variant type: single nucleotide variant.
Coding change: c.3386T>C on transcript NM_032217.5 (MANE Select); coding-DNA position 3386, T replaced by C.
Protein change: p.Val1129Ala; replaces valine 1129 with alanine.
Molecular consequence: missense variant.
Genome position (GRCh38, 1-based): chr4:73,125,019, A>G on the plus strand (T>C on the coding strand, the complement: ANKRD17 is on the minus strand). VCF-style: chr4-73125019-A-G. GRCh37 (hg19) VCF-style: chr4-73990736-A-G.
Other names: c.3047T>C, p.Val1016Ala (NM_001286771.3); c.3383T>C, p.Val1128Ala (NM_015574.2); c.2633T>C, p.Val878Ala (NM_198889.3); short protein forms V1016A, V1128A, V1129A, V878A.
Identifiers: ClinVar variation 3391644 (VCV003391644.1).

ClinVar aggregate classification (germline): Uncertain significance (1 of 4 stars; one submission).

gnomAD v4.1: 1 of 1,614,202 alleles (0.000062%); highest among the groups gnomAD compares: Non-Finnish European, 0.000085%; no homozygotes.

Submission:

GeneDx
Classification: Uncertain significance. Last evaluated: 2024-06-20. Review status: criteria provided, single submitter. Criteria: GeneDx Variant Classification Process June 2021. Collection method: clinical testing. Allele origin: germline. Affected: yes.
Comment: In silico analysis indicates that this missense variant does not alter protein structure/function; Has not been previously published as pathogenic or benign to our knowledge